The following is an entry in ClinVar:

NM_005327.7(HADH):c.419+27T>C

Gene: HADH (hydroxyacyl-CoA dehydrogenase; plus strand). Cytogenetic location: 4q25.
Variant type: single nucleotide variant.
Coding change: c.419+27T>C on transcript NM_005327.7 (MANE Select); 27 bases into the intron after coding-DNA position 419, T replaced by C.
Molecular consequence: intron variant.
Genome position (GRCh38, 1-based): chr4:108,014,615, T>C. VCF-style: chr4-108014615-T-C. GRCh37 (hg19) VCF-style: chr4-108935771-T-C.
Other names: p.?; c.419+27T>C (NM_001184705.4); c.431+27T>C (NM_001331027.2).
Identifiers: ClinVar variation 4684798 (VCV004684798.1).
Genomic context (GRCh38, chr4:108,014,615, plus strand): 5'-AGCTCTTCAAAAGGCTGGACAAGTTTGCTGCTGAGTATGTAACCTCTGGACAATCTTCTT[T>C]TTTTTTTTTTTTAACCTTATTTTTGTTTTTCATTTTTATTTTTTGTTTTTATAGATTTGT-3'

ClinVar aggregate classification (germline): Benign (1 of 4 stars; one submission).

Submission:

Mayo Clinic Laboratories, Mayo Clinic
Classification: Benign. Last evaluated: 2022-07-11. Review status: criteria provided, single submitter. Criteria: ACMG Guidelines, 2015. Collection method: clinical testing. Allele origin: germline. Observed: 14 variant alleles.
Comment: BA1